The following is an entry in ClinVar:

NM_144997.7(FLCN):c.457A>T (p.Ser153Cys)

Gene: FLCN (folliculin; minus strand). Cytogenetic location: 17p11.2.
Variant type: single nucleotide variant.
Coding change: c.457A>T on transcript NM_144997.7 (MANE Select); coding-DNA position 457, A replaced by T.
Protein change: p.Ser153Cys; replaces serine 153 with cysteine.
Molecular consequence: missense variant.
Genome position (GRCh38, 1-based): chr17:17,224,083, T>A on the plus strand (A>T on the coding strand, the complement: FLCN is on the minus strand). VCF-style: chr17-17224083-T-A. GRCh37 (hg19) VCF-style: chr17-17127397-T-A.
Other names: c.511A>T, p.Ser171Cys (NM_001353229.2); c.457A>T, p.Ser153Cys (NM_001353230.2, NM_001353231.2, NM_144606.7); short protein forms S171C, S153C.
Identifiers: ClinVar variation 3850566 (VCV003850566.1).
Genomic context (GRCh38, chr17:17,224,083, plus strand): 5'-TGATGCTGTACCAGCGCTGGAAGCCCCTGGCCAGGCTGTCCTTGATGAAGAAGGTGTGGC[T>A]GAACACAAAGCCGTGCTGCTCATCTCCGAAGAAGATGGGGCCTTCACGGCCAGGGCAGAC-3'
Protein context (NP_659434.2, residues 143-163): FGDEQHGFVF[Ser153Cys]HTFFIKDSLA

ClinVar aggregate classification (germline): Uncertain significance (1 of 4 stars; one submission).

Conditions:
Hereditary cancer-predisposing syndrome. Also called: Hereditary neoplastic syndrome; Neoplastic Syndromes, Hereditary; Tumor predisposition; Hereditary Cancer Syndrome. Identifiers: Orphanet 140162, MedGen C0027672, MeSH D009386, MONDO:0015356.

Submission:

Ambry Genetics
Classification: Uncertain significance for Hereditary cancer-predisposing syndrome. Last evaluated: 2025-01-03. Review status: criteria provided, single submitter. Criteria: Ambry Variant Classification Scheme 2023. Collection method: clinical testing. Allele origin: germline.
Comment: The p.S153C variant (also known as c.457A>T), located in coding exon 3 of the FLCN gene, results from an A to T substitution at nucleotide position 457. The serine at codon 153 is replaced by cysteine, an amino acid with dissimilar properties. This amino acid position is conserved. In addition, this alteration is predicted to be deleterious by in silico analysis. Based on the available evidence, the clinical significance of this variant remains unclear.